The following is an entry in ClinVar:

NM_020975.6(RET):c.989_1004del (p.Arg330fs)

Gene: RET (ret proto-oncogene; plus strand). Cytogenetic location: 10q11.21.
Variant type: Deletion.
Coding change: c.989_1004del on transcript NM_020975.6 (MANE Select); coding-DNA positions 989 to 1004, 16 bases deleted (GGGTGGAACACTGGCC).
Protein change: p.Arg330fs; shifts the reading frame from arginine 330.
Molecular consequence: frameshift variant. On other transcripts: intron variant (25).
Genome position (GRCh38, 1-based): chr10:43,106,497-43,106,512, GGGTGGAACACTGGCC deleted; deleting any 16 consecutive bases within chr10:43,106,495-43,106,512 gives the same sequence; the c. name uses the placement nearest the transcript's 3' end. VCF-style (leftmost placement, unchanged base first): chr10-43106494-TCCGGGTGGAACACTGG-T. GRCh37 (hg19) VCF-style: chr10-43601942-TCCGGGTGGAACACTGG-T.
Other names: c.227_242del, p.Arg76fs (NM_001355216.2); c.989_1004del, p.Arg330fs (NM_001406743.1, NM_001406744.1, NM_001406759.1 and 4 more transcripts); c.860_875del, p.Arg287fs (NM_001406761.1, NM_001406762.1, NM_001406764.1 and 1 more transcripts); c.701_716del, p.Arg234fs (NM_001406766.1, NM_001406767.1, NM_001406770.1); c.867+1304_867+1319del (NM_001406772.1, NM_001406769.1); c.626-2534_626-2519del (NM_001406773.1, NM_001406771.1); c.625+3868_625+3883del (NM_001406782.1, NM_001406780.1, NM_001406779.1 and 3 more transcripts); c.738+1304_738+1319del (NM_001406774.1); and 5 more; short protein forms R330fs, R76fs, R234fs, R287fs.
Identifiers: ClinVar variation 4995745 (VCV004995745.1).
Genomic context (GRCh38, chr10:43,106,494, plus strand): 5'-AGCTGGTGAGGCGGTACACAAGCACGCTGCTCCCCGGGGACACCTGGGCCCAGCAGACCT[TCCGGGTGGAACACTGG>T]CCCAACGAGACCTCGGTCCAGGCCAACGGCAGCTTCGTGCGGGCGACCGTACATGACTAT-3'

ClinVar aggregate classification (germline): Likely pathogenic (1 of 4 stars; one submission).

Conditions:
RET-related disorder. Also called: RET-related condition; RET-related disease; RET-related disorders.

Submission:

PreventionGenetics, part of Exact Sciences
Classification: Likely pathogenic for RET-related condition. Last evaluated: 2025-10-24. Review status: criteria provided, single submitter. Criteria: ACMG Guidelines, 2015. Collection method: clinical testing. Allele origin: germline.
Comment: The RET c.989_1004del16 variant is predicted to result in a frameshift and premature protein termination (p.Arg330Profs*78). To our knowledge, this variant has not been reported in the literature or in a large population database (gnomAD), indicating this variant is rare. Frameshift variants in RET are expected to be pathogenic. This variant is interpreted as likely pathogenic.